The following is an entry in ClinVar:

ClinVar aggregate classification (germline): Benign. Review status: criteria provided, multiple submitters, no conflicts (2 of 4 stars). 9 submissions from 8 submitters: Benign (8). 1 of the submissions does not count toward it. Last evaluated 2026-02-04.

Conditions:
Meckel-Gruber syndrome. Also called: DYSENCEPHALIA SPLANCHNOCYSTICA; GRUBER SYNDROME; Dysencephalia splachnocystica. Identifiers: Orphanet 564, MedGen C0265215, MONDO:0018921.
Joubert syndrome. Also called: Familial aplasia of the vermis; JOUBERT-BOLTSHAUSER SYNDROME. Identifiers: Orphanet 475, MedGen C5979921, MONDO:0018772.
Meckel syndrome, type 6. Identifiers: Orphanet 564, MedGen C2676790, MONDO:0012848, OMIM 612284.
Joubert syndrome 9 (JBTS9). Identifiers: Orphanet 2318, MedGen C2676788, MONDO:0012849, OMIM 612285.

Allele frequency attached by ClinVar (database versions not stated): gnomAD exomes 0.03434 and 0.05338; ESP Exome Variant Server 0.03485; gnomAD 0.04284 and 0.04586; TOPMed 0.04773; ExAC 0.05385; 1000 Genomes Project 30x 0.09151; 1000 Genomes Project 0.09605.
gnomAD v4.1: 58,469 of 1,612,680 alleles (3.6%); highest among the groups gnomAD compares: East Asian, 32%; 3,218 homozygotes.

Submissions (9):

Labcorp Genetics (formerly Invitae), Labcorp
Classification: Benign for Joubert syndrome; Meckel-Gruber syndrome. Last evaluated: 2026-02-04. Review status: criteria provided, single submitter. Criteria: Invitae Variant Classification Sherloc (09022015). Collection method: clinical testing. Allele origin: germline.

Blueprint Genetics
Classification: Benign. Last evaluated: 2024-11-26. Review status: criteria provided, single submitter. Criteria: ACMG Guidelines, 2015. Collection method: clinical testing. Allele origin: germline.

Mayo Clinic Laboratories, Mayo Clinic
Classification: Benign. Last evaluated: 2022-03-24. Review status: criteria provided, single submitter. Criteria: ACMG Guidelines, 2015. Collection method: clinical testing. Allele origin: germline. Observed: 82 variant alleles.

Illumina Laboratory Services, Illumina
Classification: Benign for Joubert syndrome 9. Last evaluated: 2018-01-12. Review status: criteria provided, single submitter. Criteria: ICSL Variant Classification Criteria 13 December 2019. Collection method: clinical testing. Allele origin: germline.
Comment: This variant was observed in the ICSL laboratory as part of a predisposition screen in an ostensibly healthy population. It had not been previously curated by ICSL or reported in the Human Gene Mutation Database (HGMD: prior to June 1st, 2018), and was therefore a candidate for classification through an automated scoring system. Utilizing variant allele frequency, disease prevalence and penetrance estimates, and inheritance mode, an automated score was calculated to assess if this variant is too frequent to cause the disease. Based on the score and internal cut-off values, a variant classified as benign is not then subjected to further curation. The score for this variant resulted in a classification of benign for this disease.

Illumina Laboratory Services, Illumina
Classification: Benign for Meckel syndrome, type 6. Last evaluated: 2018-01-12. Review status: criteria provided, single submitter. Criteria: ICSL Variant Classification Criteria 13 December 2019. Collection method: clinical testing. Allele origin: germline.
Comment: the same text as in the submission from Illumina Laboratory Services, Illumina above.

GeneDx
Classification: Benign. Last evaluated: 2014-01-30. Review status: criteria provided, single submitter. Criteria: GeneDx Variant Classification (06012015). Collection method: clinical testing. Allele origin: germline. Affected: yes.
Comment: This variant is considered likely benign or benign based on one or more of the following criteria: it is a conservative change, it occurs at a poorly conserved position in the protein, it is predicted to be benign by multiple in silico algorithms, and/or has population frequency not consistent with disease.

Breakthrough Genomics
Classification: Benign. Review status: criteria provided, single submitter. Criteria: ACMG Guidelines, 2015. Collection method: not provided. Allele origin: germline. Inheritance: Autosomal recessive inheritance. Affected: yes.

PreventionGenetics, part of Exact Sciences
Classification: Benign. Review status: criteria provided, single submitter. Criteria: ACMG Guidelines, 2015. Collection method: clinical testing. Allele origin: germline.

Genetic Services Laboratory, University of Chicago
Classification: Likely benign for AllHighlyPenetrant. Review status: no assertion criteria provided. Collection method: clinical testing. Allele origin: germline. Inheritance: Autosomal recessive inheritance. Observed: 60 variant alleles. Not counted in ClinVar's aggregate classification.
Comment: Likely benign based on allele frequency in 1000 Genomes Project or ESP global frequency and its presence in a patient with a rare or unrelated disease phenotype. NOT Sanger confirmed.

NM_001378615.1(CC2D2A):c.777C>T (p.His259=)

Genes: CC2D2A (coiled-coil and C2 domain containing 2A; plus strand), FBXL5 (F-box and leucine rich repeat protein 5; minus strand). Cytogenetic location: 4p15.32.
Variant type: single nucleotide variant.
Coding change: c.777C>T on transcript NM_001378615.1 (MANE Select); coding-DNA position 777, C replaced by T.
Protein change: p.His259=; no amino-acid change (histidine 259 retained).
Molecular consequence: synonymous variant. On other transcripts: genic downstream transcript variant (1).
Genome position (GRCh38, 1-based): chr4:15,514,766, C>T. VCF-style: chr4-15514766-C-T. GRCh37 (hg19) VCF-style: chr4-15516389-C-T.
Other names: p.H259H:CAC>CAT; p.His259=; c.777C>T, p.His259= (NM_001080522.2); c.630C>T, p.His210= (NM_001378617.1); c.*33553C>T (NM_020785.2).
Identifiers: ClinVar variation 126248 (VCV000126248.24), dbSNP rs2286976, ClinGen allele CA150889.